The following is an entry in ClinVar:

NM_000458.4(HNF1B):c.1003C>T (p.Pro335Ser)

Gene: HNF1B (HNF1 homeobox B; minus strand). Cytogenetic location: 17q12.
Variant type: single nucleotide variant.
Coding change: c.1003C>T on transcript NM_000458.4 (MANE Select); coding-DNA position 1003, C replaced by T.
Protein change: p.Pro335Ser; replaces proline 335 with serine.
Molecular consequence: missense variant.
Genome position (GRCh38, 1-based): chr17:37,731,637, G>A on the plus strand (C>T on the coding strand, the complement: HNF1B is on the minus strand). VCF-style: chr17-37731637-G-A. GRCh37 (hg19) VCF-style: chr17-36091628-G-A.
Other names: c.925C>T, p.Pro309Ser (NM_001165923.4, NM_001304286.2); c.1003C>T, p.Pro335Ser (NM_001411100.1); short protein forms P309S, P335S.
Identifiers: ClinVar variation 4719240 (VCV004719240.1).

ClinVar aggregate classification (germline): Uncertain significance (1 of 4 stars; one submission).

gnomAD v4.1: 2 of 1,614,046 alleles (0.00012%); highest among the groups gnomAD compares: South Asian, 0.0022%; no homozygotes.

Submission:

Labcorp Genetics (formerly Invitae), Labcorp
Classification: Uncertain significance. Last evaluated: 2025-07-14. Review status: criteria provided, single submitter. Criteria: Invitae Variant Classification Sherloc (09022015). Collection method: clinical testing. Allele origin: germline.
Comment: This sequence change replaces proline, which is neutral and non-polar, with serine, which is neutral and polar, at codon 335 of the HNF1B protein (p.Pro335Ser). This variant is present in population databases (rs771455276, gnomAD 0.007%). This variant has not been reported in the literature in individuals affected with HNF1B-related conditions. Invitae Evidence Modeling of protein sequence and biophysical properties (such as structural, functional, and spatial information, amino acid conservation, physicochemical variation, residue mobility, and thermodynamic stability) indicates that this missense variant is not expected to disrupt HNF1B protein function with a negative predictive value of 80%. In summary, the available evidence is currently insufficient to determine the role of this variant in disease. Therefore, it has been classified as a Variant of Uncertain Significance.